The following is an entry in ClinVar:

NM_198076.6(COX20):c.88G>A (p.Ala30Thr)

Gene: COX20 (cytochrome c oxidase assembly factor COX20; plus strand). Cytogenetic location: 1q44.
Variant type: single nucleotide variant.
Coding change: c.88G>A on transcript NM_198076.6 (MANE Select); coding-DNA position 88, G replaced by A.
Protein change: p.Ala30Thr; replaces alanine 30 with threonine.
Molecular consequence: missense variant. On other transcripts: non-coding transcript variant (1), intron variant (1).
Genome position (GRCh38, 1-based): chr1:244,841,989, G>A. VCF-style: chr1-244841989-G-A. GRCh37 (hg19) VCF-style: chr1-245005291-G-A.
Other names: c.88G>A, p.Ala30Thr (NM_001312871.1, NM_001312874.1); c.124G>A, p.Ala42Thr (NM_001312872.1); c.23-206G>A (NM_001312873.1); short protein forms A30T, A42T.
Identifiers: ClinVar variation 2058017 (VCV002058017.1), dbSNP rs759186431, ClinGen allele CA1486087.

ClinVar aggregate classification (germline): Uncertain significance (1 of 4 stars; one submission).

Allele frequency attached by ClinVar (database versions not stated): TOPMed below 0.00001; gnomAD 0.00001; gnomAD exomes 0.00003; ExAC 0.00004.
gnomAD v4.1: 44 of 1,611,244 alleles (0.0027%); highest among the groups gnomAD compares: Admixed American, 0.0083%; no homozygotes.

Submission:

Labcorp Genetics (formerly Invitae), Labcorp
Classification: Uncertain significance. Last evaluated: 2022-08-01. Review status: criteria provided, single submitter. Criteria: Invitae Variant Classification Sherloc (09022015). Collection method: clinical testing. Allele origin: germline.
Comment: This sequence change replaces alanine, which is neutral and non-polar, with threonine, which is neutral and polar, at codon 30 of the COX20 protein (p.Ala30Thr). This variant is present in population databases (rs759186431, gnomAD 0.02%). This variant has not been reported in the literature in individuals affected with COX20-related conditions. Algorithms developed to predict the effect of missense changes on protein structure and function are either unavailable or do not agree on the potential impact of this missense change (SIFT: "Tolerated"; PolyPhen-2: "Probably Damaging"; Align-GVGD: "Class C0"). In summary, the available evidence is currently insufficient to determine the role of this variant in disease. Therefore, it has been classified as a Variant of Uncertain Significance.